The following is an entry in ClinVar:

ClinVar aggregate classification (germline): Uncertain significance (1 of 4 stars; one submission).

Conditions:
Bethlem myopathy 1A. Also called: Bethlem myopathy 1; MYOPATHY, BENIGN CONGENITAL, WITH CONTRACTURES; Bethlem Muscular Dystrophy. Identifiers: Orphanet 610, MedGen CN029274, MONDO:0024530, OMIM 158810.

Allele frequency attached by ClinVar (database versions not stated): gnomAD exomes 0.00001.
gnomAD v4.1: 3 of 1,614,206 alleles (0.00019%); highest among the groups gnomAD compares: East Asian, 0.0022%; no homozygotes.

Submission:

Labcorp Genetics (formerly Invitae), Labcorp
Classification: Uncertain significance for Bethlem myopathy 1A. Last evaluated: 2023-04-09. Review status: criteria provided, single submitter. Criteria: Invitae Variant Classification Sherloc (09022015). Collection method: clinical testing. Allele origin: germline.
Comment: In summary, the available evidence is currently insufficient to determine the role of this variant in disease. Therefore, it has been classified as a Variant of Uncertain Significance. Advanced modeling of protein sequence and biophysical properties (such as structural, functional, and spatial information, amino acid conservation, physicochemical variation, residue mobility, and thermodynamic stability) performed at Invitae indicates that this missense variant is not expected to disrupt COL6A3 protein function. This variant has not been reported in the literature in individuals affected with COL6A3-related conditions. This variant is not present in population databases (gnomAD no frequency). This sequence change replaces lysine, which is basic and polar, with arginine, which is basic and polar, at codon 1001 of the COL6A3 protein (p.Lys1001Arg).

NM_004369.4(COL6A3):c.3002A>G (p.Lys1001Arg)

Gene: COL6A3 (collagen type VI alpha 3 chain; minus strand). Cytogenetic location: 2q37.3.
Variant type: single nucleotide variant.
Coding change: c.3002A>G on transcript NM_004369.4 (MANE Select); coding-DNA position 3002, A replaced by G.
Protein change: p.Lys1001Arg; replaces lysine 1001 with arginine.
Molecular consequence: missense variant.
Genome position (GRCh38, 1-based): chr2:237,376,840, T>C on the plus strand (A>G on the coding strand, the complement: COL6A3 is on the minus strand). VCF-style: chr2-237376840-T-C. GRCh37 (hg19) VCF-style: chr2-238285483-T-C.
Other names: c.1781A>G, p.Lys594Arg (NM_057164.5); c.2384A>G, p.Lys795Arg (NM_057165.5, NM_057167.4); c.1181A>G, p.Lys394Arg (NM_057166.5); short protein forms K594R, K795R, K1001R, K394R.
Identifiers: ClinVar variation 2795420 (VCV002795420.3), dbSNP rs2469912856, ClinGen allele CA351207046.
Genomic context (GRCh38, chr2:237,376,840, plus strand): 5'-GGTGCTCCGTTGTGCACTGATTTTAAGAGATTCACTATCTGTGGATGAAGATCTCCAATC[T>C]TGGGAAGCGACTCTGCAGCCAGGATAAACGCTGGAGACAGCACGATCTGCTCTAACTCAG-3'
Protein context (NP_004360.2, residues 991-1011): AFILAAESLP[Lys1001Arg]IGDLHPQIVN